The following is an entry in ClinVar:

NM_015174.2(ZFR2):c.53+13546G>A

Gene: ZFR2 (zinc finger RNA binding protein 2; minus strand). Cytogenetic location: 19p13.3.
Variant type: single nucleotide variant.
Coding change: c.53+13546G>A on transcript NM_015174.2 (MANE Select); 13546 bases into the intron after coding-DNA position 53, G replaced by A.
Molecular consequence: intron variant. On other transcripts: non-coding transcript variant (1).
Genome position (GRCh38, 1-based): chr19:3,855,419, C>T on the plus strand (G>A on the coding strand, the complement: ZFR2 is on the minus strand). VCF-style: chr19-3855419-C-T. GRCh37 (hg19) VCF-style: chr19-3855417-C-T.
Other names: c.54-2805G>A (NM_001145640.2).
Identifiers: ClinVar variation 2649016 (VCV002649016.24), dbSNP rs2145186908, ClinGen allele CA2549544059.
Genomic context (GRCh38, chr19:3,855,419, plus strand): 5'-TTTTGCGGGTTGCACTATGAGAAATTCTGTGTGTACAAAATACCTGACAGAAAGTGAAAG[C>T]AGTCCCGGGCGATCCGGCGGCAGATTCATTGAGTCATTGGATAAATACTTCCTGGGTGCT-3'

ClinVar aggregate classification (germline): Likely benign (1 of 4 stars; one submission).

Allele frequency attached by ClinVar (database versions not stated): gnomAD exomes below 0.00001.
gnomAD v4.1: 1 of 1,231,706 alleles (0.000081%); highest among the groups gnomAD compares: Non-Finnish European, 0.0001%; no homozygotes.

Submission:

CeGaT Center for Human Genetics Tuebingen
Classification: Likely benign. Last evaluated: 2022-08-01. Review status: criteria provided, single submitter. Criteria: CeGaT Center For Human Genetics Tuebingen Variant Classification Criteria Version 2. Collection method: clinical testing. Allele origin: germline. Affected: yes. Observed: 1 variant allele.
Comment: ZFR2: PM2:Supporting, BP4, BP7